The following is an entry in ClinVar:

NM_018249.6(CDK5RAP2):c.196-66A>G

Gene: CDK5RAP2 (CDK5 regulatory subunit associated protein 2; minus strand). Cytogenetic location: 9q33.2.
Variant type: single nucleotide variant.
Coding change: c.196-66A>G on transcript NM_018249.6 (MANE Select); 66 bases into the intron before coding-DNA position 196, A replaced by G.
Molecular consequence: intron variant.
Genome position (GRCh38, 1-based): chr9:120,550,968, T>C on the plus strand (A>G on the coding strand, the complement: CDK5RAP2 is on the minus strand). VCF-style: chr9-120550968-T-C. GRCh37 (hg19) VCF-style: chr9-123313246-T-C.
Other names: c.196-66A>G (NM_001272039.2, NM_001011649.3).
Identifiers: ClinVar variation 670443 (VCV000670443.5), dbSNP rs954214, ClinGen allele CA199305152.
Genomic context (GRCh38, chr9:120,550,968, plus strand): 5'-AAATATCACAGAAGGGTCATCAAAAGCAAACAAAAGACAGAGGGTCCAACAGATAGTACA[T>C]ACATTAGTCGCTATGGATTACGAGGCTACAAAACTGATTCAAATGTTAAATACTAGAGAA-3'

ClinVar aggregate classification (germline): Benign. Review status: criteria provided, multiple submitters, no conflicts (2 of 4 stars). 3 submissions from 3 submitters: Benign (3). Last evaluated 2021-07-14.

Conditions:
Microcephaly 3, primary, autosomal recessive. Identifiers: Orphanet 2512, MedGen C1858108, MONDO:0011488, OMIM 604804.

Allele frequency attached by ClinVar (database versions not stated): 1000 Genomes Project 0.79992; 1000 Genomes Project 30x 0.79997; TOPMed 0.83842; gnomAD 0.84919 and 0.85033; gnomAD exomes 0.91358.
gnomAD v4.1: 790,000 of 875,698 alleles (90%); highest among the groups gnomAD compares: Non-Finnish European, 95%; 359,661 homozygotes.

Submissions (3):

Genome-Nilou Lab
Classification: Benign for Microcephaly 3, primary, autosomal recessive. Last evaluated: 2021-07-14. Review status: criteria provided, single submitter. Criteria: ACMG Guidelines, 2015. Collection method: clinical testing. Allele origin: germline. Affected: no.

GeneDx
Classification: Benign. Last evaluated: 2018-06-16. Review status: criteria provided, single submitter. Criteria: GeneDx Variant Classification (06012015). Collection method: clinical testing. Allele origin: germline. Affected: yes.
Comment: This variant is considered likely benign or benign based on one or more of the following criteria: it is a conservative change, it occurs at a poorly conserved position in the protein, it is predicted to be benign by multiple in silico algorithms, and/or has population frequency not consistent with disease.

Breakthrough Genomics
Classification: Benign. Review status: criteria provided, single submitter. Criteria: ACMG Guidelines, 2015. Collection method: not provided. Allele origin: germline. Inheritance: Autosomal recessive inheritance. Affected: yes.